The following is an entry in ClinVar:

NM_013314.4(BLNK):c.171_172inv (p.Ala58Thr)

Gene: BLNK (B cell linker; minus strand). Cytogenetic location: 10q24.1.
Variant type: Inversion.
Coding change: c.171_172inv on transcript NM_013314.4 (MANE Select).
Protein change: p.Ala58Thr; replaces alanine 58 with threonine.
Molecular consequence: missense variant. On other transcripts: non-coding transcript variant (4).
Genome position: GRCh38 VCF-style: chr10-96230826-CA-TG. GRCh37 (hg19) VCF-style: chr10-97990582-CA-TG.
Other names: c.171_172inv, p.Ala58Thr (NM_001114094.2, NM_001258440.2, NM_001258441.2 and 1 more transcripts); short protein forms A58T.
Identifiers: ClinVar variation 1353054 (VCV001353054.4), ClinGen allele CA2573145933.

ClinVar aggregate classification (germline): Uncertain significance (1 of 4 stars; one submission).

Conditions:
Agammaglobulinemia 4, autosomal recessive (AGM4). Also called: B cell linker protein deficiency; AGAMMAGLOBULINEMIA, AUTOSOMAL RECESSIVE, DUE TO BLNK DEFECT. Identifiers: MedGen C3150752, MONDO:0013289, OMIM 613502.

Submission:

Labcorp Genetics (formerly Invitae), Labcorp
Classification: Uncertain significance for Agammaglobulinemia 4, autosomal recessive. Last evaluated: 2022-03-08. Review status: criteria provided, single submitter. Criteria: Invitae Variant Classification Sherloc (09022015). Collection method: clinical testing. Allele origin: germline.
Comment: This variant has not been reported in the literature in individuals affected with BLNK-related conditions. In summary, the available evidence is currently insufficient to determine the role of this variant in disease. Therefore, it has been classified as a Variant of Uncertain Significance. Experimental studies and prediction algorithms are not available or were not evaluated, and the functional significance of this variant is currently unknown. Information on the frequency of this variant in the gnomAD database is not available, as this variant may be reported differently in the database. This sequence change replaces alanine, which is neutral and non-polar, with threonine, which is neutral and polar, at codon 58 of the BLNK protein (p.Ala58Thr).